The following is an entry in ClinVar:

NM_012418.4(FSCN2):c.25G>T (p.Val9Leu)

Gene: FSCN2 (fascin actin-bundling protein 2, retinal; plus strand). Cytogenetic location: 17q25.3.
Variant type: single nucleotide variant.
Coding change: c.25G>T on transcript NM_012418.4 (MANE Select); coding-DNA position 25, G replaced by T.
Protein change: p.Val9Leu; replaces valine 9 with leucine.
Molecular consequence: missense variant.
Genome position (GRCh38, 1-based): chr17:81,528,556, G>T. VCF-style: chr17-81528556-G-T. GRCh37 (hg19) VCF-style: chr17-79495582-G-T.
Other names: c.25G>T (NM_001077182.2); c.25G>T, p.Val9Leu (NM_001077182.3); short protein forms V9L.
Identifiers: ClinVar variation 1912245 (VCV001912245.6), dbSNP rs562815989, ClinGen allele CA295078306.

ClinVar aggregate classification (germline): Uncertain significance. Review status: criteria provided, multiple submitters, no conflicts (2 of 4 stars). 2 submissions from 2 submitters: Uncertain significance (2). Last evaluated 2025-08-19.

Allele frequency attached by ClinVar (database versions not stated): gnomAD exomes below 0.00001; TOPMed below 0.00001.
gnomAD v4.1: 4 of 1,604,330 alleles (0.00025%); highest among the groups gnomAD compares: African/African-American, 0.0013%; no homozygotes.

Submissions (2):

Ambry Genetics
Classification: Uncertain significance. Last evaluated: 2025-08-19. Review status: criteria provided, single submitter. Criteria: Ambry Variant Classification Scheme 2023. Collection method: clinical testing. Allele origin: germline.

Labcorp Genetics (formerly Invitae), Labcorp
Classification: Uncertain significance. Last evaluated: 2024-01-29. Review status: criteria provided, single submitter. Criteria: Invitae Variant Classification Sherloc (09022015). Collection method: clinical testing. Allele origin: germline.
Comment: This sequence change replaces valine, which is neutral and non-polar, with leucine, which is neutral and non-polar, at codon 9 of the FSCN2 protein (p.Val9Leu). This variant is not present in population databases (gnomAD no frequency). This variant has not been reported in the literature in individuals affected with FSCN2-related conditions. ClinVar contains an entry for this variant (Variation ID: 1912245). An algorithm developed to predict the effect of missense changes on protein structure and function (PolyPhen-2) suggests that this variant is likely to be tolerated. In summary, the available evidence is currently insufficient to determine the role of this variant in disease. Therefore, it has been classified as a Variant of Uncertain Significance.